The following is an entry in ClinVar:

ClinVar aggregate classification (germline): Uncertain significance (1 of 4 stars; one submission).

Conditions:
Inborn genetic diseases. Identifiers: MedGen C0950123, MeSH D030342.

Submission:

Ambry Genetics
Classification: Uncertain significance for Inborn genetic diseases. Last evaluated: 2025-04-17. Review status: criteria provided, single submitter. Criteria: Ambry Variant Classification Scheme 2023. Collection method: clinical testing. Allele origin: germline.
Comment: The p.P8T variant (also known as c.22C>A), located in coding exon 1 of the PAX5 gene, results from a C to A substitution at nucleotide position 22. The proline at codon 8 is replaced by threonine, an amino acid with highly similar properties. This amino acid position is conserved. In addition, the in silico prediction for this alteration is inconclusive. Based on the available evidence, the clinical significance of this variant remains unclear.

NM_016734.3(PAX5):c.22C>A (p.Pro8Thr)

Gene: PAX5 (paired box 5; minus strand). Cytogenetic location: 9p13.2.
Variant type: single nucleotide variant.
Coding change: c.22C>A on transcript NM_016734.3 (MANE Select); coding-DNA position 22, C replaced by A.
Protein change: p.Pro8Thr; replaces proline 8 with threonine.
Molecular consequence: missense variant. On other transcripts: 5 prime UTR variant (2), non-coding transcript variant (2).
Genome position (GRCh38, 1-based): chr9:37,034,010, G>T on the plus strand (C>A on the coding strand, the complement: PAX5 is on the minus strand). VCF-style: chr9-37034010-G-T. GRCh37 (hg19) VCF-style: chr9-37034007-G-T.
Other names: c.22C>A, p.Pro8Thr (NM_001280547.2, NM_001280548.2, NM_001280549.2 and 5 more transcripts); c.-137C>A (NM_001280551.2, NM_001280556.2); short protein forms P8T.
Identifiers: ClinVar variation 3928298 (VCV003928298.1).